The following is an entry in ClinVar:

ClinVar aggregate classification (germline): Uncertain significance (1 of 4 stars; one submission).

gnomAD v4.1: 1 of 1,613,732 alleles (0.000062%); highest among the groups gnomAD compares: South Asian, 0.0011%; no homozygotes.

Submission:

Women's Health and Genetics/Laboratory Corporation of America, LabCorp
Classification: Uncertain significance. Last evaluated: 2024-07-12. Review status: criteria provided, single submitter. Criteria: LabCorp Variant Classification Summary - May 2015. Collection method: clinical testing. Allele origin: germline.
Comment: Variant summary: NEB c.11978C>G (p.Ser3993Cys) results in a non-conservative amino acid change in the encoded protein sequence. Four of five in-silico tools predict a damaging effect of the variant on protein function. The variant was absent in 249006 control chromosomes. The available data on variant occurrences in the general population are insufficient to allow any conclusion about variant significance. To our knowledge, no occurrence of c.11978C>G in individuals affected with Nemaline Myopathy 2 and no experimental evidence demonstrating its impact on protein function have been reported. No submitters have cited clinical-significance assessments for this variant to ClinVar. Based on the evidence outlined above, the variant was classified as uncertain significance.

NM_001164508.2(NEB):c.11978C>G (p.Ser3993Cys)

Gene: NEB (nebulin; minus strand). Cytogenetic location: 2q23.3.
Variant type: single nucleotide variant.
Coding change: c.11978C>G on transcript NM_001164508.2 (MANE Select); coding-DNA position 11978, C replaced by G.
Protein change: p.Ser3993Cys; replaces serine 3993 with cysteine.
Molecular consequence: missense variant.
Genome position (GRCh38, 1-based): chr2:151,610,556, G>C on the plus strand (C>G on the coding strand, the complement: NEB is on the minus strand). VCF-style: chr2-151610556-G-C. GRCh37 (hg19) VCF-style: chr2-152467070-G-C.
Other names: c.11978C>G, p.Ser3993Cys (NM_001164507.2, NM_001271208.2); c.11249C>G, p.Ser3750Cys (NM_004543.5); short protein forms S3750C, S3993C.
Identifiers: ClinVar variation 3338898 (VCV003338898.1).